The following is an entry in ClinVar:

NM_201384.3(PLEC):c.5336G>A (p.Arg1779His)

Gene: PLEC (plectin; minus strand). Cytogenetic location: 8q24.3.
Variant type: single nucleotide variant.
Coding change: c.5336G>A on transcript NM_201384.3 (MANE Select); coding-DNA position 5336, G replaced by A.
Protein change: p.Arg1779His; replaces arginine 1779 with histidine.
Molecular consequence: missense variant.
Genome position (GRCh38, 1-based): chr8:143,924,593, C>T on the plus strand (G>A on the coding strand, the complement: PLEC is on the minus strand). VCF-style: chr8-143924593-C-T. GRCh37 (hg19) VCF-style: chr8-144998761-C-T.
Other names: c.5417G>A (NM_000445.3); c.5417G>A, p.Arg1806His (NM_000445.5); c.5294G>A, p.Arg1765His (NM_201378.4); c.5270G>A, p.Arg1757His (NM_201379.3); c.5747G>A, p.Arg1916His (NM_201380.4); c.5240G>A, p.Arg1747His (NM_201381.3); c.5336G>A, p.Arg1779His (NM_201382.4); c.5348G>A, p.Arg1783His (NM_201383.3); short protein forms R1747H, R1765H, R1779H, R1783H, R1916H, R1757H, R1806H.
Identifiers: ClinVar variation 656445 (VCV000656445.7), dbSNP rs782762319, ClinGen allele CA4926386.

ClinVar aggregate classification (germline): Uncertain significance. Review status: criteria provided, multiple submitters, no conflicts (2 of 4 stars). 2 submissions from 2 submitters: Uncertain significance (2). Last evaluated 2022-05-04.

Conditions:
Epidermolysis bullosa simplex 5C, with pyloric atresia (EBS5C). Also called: Epidermolysis bullosa simplex with pyloric atresia; PLEC-Related Epidermolysis Bullosa with Pyloric Atresia; PLEC1-Related Epidermolysis Bullosa with Pyloric Atresia. Identifiers: Orphanet 158684, MedGen C2677349, MONDO:0012807, OMIM 612138.
Epidermolysis bullosa simplex 5B, with muscular dystrophy (EBS5B). Also called: Epidermolysis bullosa simplex with muscular dystrophy; EPIDERMOLYSIS BULLOSA SIMPLEX AND LIMB-GIRDLE MUSCULAR DYSTROPHY. Identifiers: Orphanet 257, MedGen C2931072, MONDO:0009181, OMIM 226670.
Epidermolysis bullosa simplex, Ogna type (EBS5A). Also called: Pidermolysis bullosa simplex 5A, Ogna type; EPIDERMOLYSIS BULLOSA SIMPLEX 5A, OGNA TYPE. Identifiers: Orphanet 79401, MedGen C0432317, MONDO:0007555, OMIM 131950.
Epidermolysis bullosa simplex with nail dystrophy (EBS5D). Identifiers: MedGen C4225309, MONDO:0014661, OMIM 616487.
Autosomal recessive limb-girdle muscular dystrophy type 2Q (LGMDR17). Also called: MUSCULAR DYSTROPHY, LIMB-GIRDLE, AUTOSOMAL RECESSIVE 17. Identifiers: Orphanet 254361, MedGen C3150989, MONDO:0013390, OMIM 613723.
Inborn genetic diseases. Identifiers: MedGen C0950123, MeSH D030342.

Allele frequency attached by ClinVar (database versions not stated): ExAC below 0.00001; gnomAD 0.00001; gnomAD exomes 0.00001 and 0.00002; TOPMed 0.00001.
gnomAD v4.1: 15 of 1,548,902 alleles (0.00097%); highest among the groups gnomAD compares: East Asian, 0.014%; no homozygotes.

Submissions (2):

Ambry Genetics
Classification: Uncertain significance for Inborn genetic diseases. Last evaluated: 2022-05-04. Review status: criteria provided, single submitter. Criteria: Ambry Variant Classification Scheme 2023. Collection method: clinical testing. Allele origin: germline.

Labcorp Genetics (formerly Invitae), Labcorp
Classification: Uncertain significance for Autosomal recessive limb-girdle muscular dystrophy type 2Q; Epidermolysis bullosa simplex, Ogna type; Epidermolysis bullosa simplex with nail dystrophy; Epidermolysis bullosa simplex 5C, with pyloric atresia; Epidermolysis bullosa simplex 5B, with muscular dystrophy. Last evaluated: 2018-11-30. Review status: criteria provided, single submitter. Criteria: Invitae Variant Classification Sherloc (09022015). Collection method: clinical testing. Allele origin: germline.
Comment: This sequence change replaces arginine with histidine at codon 1806 of the PLEC protein (p.Arg1806His). The arginine residue is moderately conserved and there is a small physicochemical difference between arginine and histidine. The frequency data for this variant in the population databases is considered unreliable, as metrics indicate poor data quality at this position in the ExAC database. This variant has not been reported in the literature in individuals with PLEC-related conditions. Algorithms developed to predict the effect of missense changes on protein structure and function are either unavailable or do not agree on the potential impact of this missense change (SIFT: "Tolerated"; PolyPhen-2: "Not Available"; Align-GVGD: "Class C0"). In summary, the available evidence is currently insufficient to determine the role of this variant in disease. Therefore, it has been classified as a Variant of Uncertain Significance.